The following is an entry in ClinVar:

NM_024334.3(TMEM43):c.908_909delinsAT (p.Ser303Asn)

Gene: TMEM43 (transmembrane protein 43; plus strand). Cytogenetic location: 3p25.1.
Variant type: Indel.
Coding change: c.908_909delinsAT on transcript NM_024334.3 (MANE Select); coding-DNA positions 908 to 909, GC replaced by AT.
Protein change: p.Ser303Asn; replaces serine 303 with asparagine.
Molecular consequence: missense variant.
Genome position (GRCh38, 1-based): chr3:14,139,205-14,139,206, GC replaced by AT. VCF-style: chr3-14139205-GC-AT. GRCh37 (hg19) VCF-style: chr3-14180705-GC-AT.
Other names: c.911_912delGCinsAT, p.Ser304Asn (NM_001407274.1); c.905_906delGCinsAT, p.Ser302Asn (NM_001407275.1, NM_001407276.1); c.902_903delGCinsAT, p.Ser301Asn (NM_001407277.1); c.893_894delGCinsAT, p.Ser298Asn (NM_001407278.1); c.833_834delGCinsAT, p.Ser278Asn (NM_001407279.1); c.758_759delGCinsAT, p.Ser253Asn (NM_001407280.1); short protein forms S298N, S302N, S304N, S278N, S301N, S303N, S253N.
Identifiers: ClinVar variation 1765714 (VCV001765714.2), dbSNP rs2470196665, ClinGen allele CA2580068488.
Genomic context (GRCh38, chr3:14,139,205, plus strand): 5'-TCAGCATCCTGACCTGCCCCCACCTTGTCCTGCAGGAGGTGTTTCATAGAGAACTAAGGA[GC>AT]AACTCCATGAAGACCTGGGGCCTGCGGGCAGCTGGCTGGATGGCCATGTTCATGGGCCTC-3'
Protein context (NP_077310.1, residues 293-313): AEEVFHRELR[Ser303Asn]NSMKTWGLRA

ClinVar aggregate classification (germline): Uncertain significance (1 of 4 stars; one submission).

Conditions:
Cardiovascular phenotype. Identifiers: MedGen CN230736.

Submission:

Ambry Genetics
Classification: Uncertain significance for Cardiovascular phenotype. Last evaluated: 2022-02-18. Review status: criteria provided, single submitter. Criteria: Ambry Variant Classification Scheme 2023. Collection method: clinical testing. Allele origin: germline.
Comment: The c.908_909delGCinsAT variant (also known as p.S303N), located in coding exon 11 of the TMEM43 gene, results from an in-frame deletion of GC and insertion of AT at nucleotide positions 908 to 909. This results in the substitution of the serine residue for an asparagine residue at codon 303, an amino acid with highly similar properties. This amino acid position is well conserved in available vertebrate species. In addition, this alteration is predicted to be neutral by in silico analysis (Choi Y et al. PLoS ONE. 2012; 7(10):e46688). Since supporting evidence is limited at this time, the clinical significance of this alteration remains unclear.